The following is an entry in ClinVar:

ClinVar aggregate classification (germline): Likely benign. Review status: criteria provided, multiple submitters, no conflicts (2 of 4 stars). 3 submissions from 3 submitters: Likely benign (3). Last evaluated 2026-05-13.

Conditions:
Neurofibromatosis, type 1 (NF1). Also called: VON RECKLINGHAUSEN DISEASE; Peripheral type neurofibromatosis; Neurofibromatosis, type I; NEUROFIBROMATOSIS, TYPE I, SOMATIC. Identifiers: Orphanet 636, MedGen C0027831, MONDO:0018975, OMIM 162200. Disease mechanism: loss of function.

Allele frequency attached by ClinVar (database versions not stated): gnomAD exomes below 0.00001.
gnomAD v4.1: 1 of 1,590,772 alleles (0.000063%); highest among the groups gnomAD compares: Non-Finnish European, 0.000086%; no homozygotes.

Submissions (3):

Myriad Genetics, Inc.
Classification: Likely benign for Neurofibromatosis, type 1. Last evaluated: 2026-05-13. Review status: criteria provided, single submitter. Criteria: Myriad Autosomal Dominant, Autosomal Recessive and X-Linked Classification Criteria (2023). Collection method: clinical testing. Allele origin: unknown.
Comment: This variant is considered likely benign. This variant is intronic and is not expected to impact mRNA splicing.

Labcorp Genetics (formerly Invitae), Labcorp
Classification: Likely benign for Neurofibromatosis, type 1. Last evaluated: 2024-08-29. Review status: criteria provided, single submitter. Criteria: Invitae Variant Classification Sherloc (09022015). Collection method: clinical testing. Allele origin: germline.

Blueprint Genetics
Classification: Likely benign. Last evaluated: 2019-01-18. Review status: criteria provided, single submitter. Criteria: ACMG Guidelines, 2015. Collection method: clinical testing. Allele origin: germline.

NM_001042492.3(NF1):c.5813-16G>A

Gene: NF1 (neurofibromin 1; plus strand). Cytogenetic location: 17q11.2.
Variant type: single nucleotide variant.
Coding change: c.5813-16G>A on transcript NM_001042492.3 (MANE Select); 16 bases into the intron before coding-DNA position 5813, G replaced by A.
Molecular consequence: intron variant.
Genome position (GRCh38, 1-based): chr17:31,334,822, G>A. VCF-style: chr17-31334822-G-A. GRCh37 (hg19) VCF-style: chr17-29661840-G-A.
Other names: c.5750-16G>A (NM_000267.4).
Identifiers: ClinVar variation 2048207 (VCV002048207.6), dbSNP rs1469442907, ClinGen allele CA625780820.